The following is an entry in ClinVar:

ClinVar aggregate classification (germline): Uncertain significance (1 of 4 stars; one submission).

Conditions:
Hereditary cancer-predisposing syndrome. Also called: Neoplastic Syndromes, Hereditary; Tumor predisposition; Hereditary Cancer Syndrome; Hereditary neoplastic syndrome. Identifiers: Orphanet 140162, MedGen C0027672, MeSH D009386, MONDO:0015356.

Submission:

Ambry Genetics
Classification: Uncertain significance for Hereditary cancer-predisposing syndrome. Last evaluated: 2024-09-25. Review status: criteria provided, single submitter. Criteria: Ambry Variant Classification Scheme 2023. Collection method: clinical testing. Allele origin: germline.
Comment: The p.T323S variant (also known as c.967A>T), located in coding exon 5 of the RET gene, results from an A to T substitution at nucleotide position 967. The threonine at codon 323 is replaced by serine, an amino acid with similar properties. This amino acid position is conserved. In addition, this alteration is predicted to be tolerated by in silico analysis. Based on the available evidence, the clinical significance of this variant remains unclear.

NM_020975.6(RET):c.967A>T (p.Thr323Ser)

Gene: RET (ret proto-oncogene; plus strand). Cytogenetic location: 10q11.21.
Variant type: single nucleotide variant.
Coding change: c.967A>T on transcript NM_020975.6 (MANE Select); coding-DNA position 967, A replaced by T.
Protein change: p.Thr323Ser; replaces threonine 323 with serine.
Molecular consequence: missense variant. On other transcripts: intron variant (25).
Genome position (GRCh38, 1-based): chr10:43,106,475, A>T. VCF-style: chr10-43106475-A-T. GRCh37 (hg19) VCF-style: chr10-43601923-A-T.
Other names: c.967A>T, p.Thr323Ser (NM_001406743.1, NM_001406744.1, NM_001406759.1 and 4 more transcripts); c.205A>T, p.Thr69Ser (NM_001355216.2); c.838A>T, p.Thr280Ser (NM_001406761.1, NM_001406762.1, NM_001406764.1 and 1 more transcripts); c.679A>T, p.Thr227Ser (NM_001406766.1, NM_001406767.1, NM_001406770.1); c.867+1282A>T (NM_001406772.1, NM_001406769.1); c.626-2556A>T (NM_001406773.1, NM_001406771.1); c.625+3846A>T (NM_001406782.1, NM_001406780.1, NM_001406779.1 and 3 more transcripts); c.738+1282A>T (NM_001406774.1); and 5 more; short protein forms T280S, T323S, T227S, T69S.
Identifiers: ClinVar variation 3432272 (VCV003432272.1).
Genomic context (GRCh38, chr10:43,106,475, plus strand): 5'-GTGGTACCTGCATCAGGGGAGCTGGTGAGGCGGTACACAAGCACGCTGCTCCCCGGGGAC[A>T]CCTGGGCCCAGCAGACCTTCCGGGTGGAACACTGGCCCAACGAGACCTCGGTCCAGGCCA-3'
Protein context (NP_066124.1, residues 313-333): RYTSTLLPGD[Thr323Ser]WAQQTFRVEH